The following is an entry in ClinVar:

ClinVar aggregate classification (germline): Uncertain significance (1 of 4 stars; one submission).

Allele frequency attached by ClinVar (database versions not stated): gnomAD exomes below 0.00001; TOPMed below 0.00001; gnomAD 0.00001.
gnomAD v4.1: 3 of 1,593,578 alleles (0.00019%); highest among the groups gnomAD compares: Non-Finnish European, 0.00017%; no homozygotes.

Submission:

CeGaT Center for Human Genetics Tuebingen
Classification: Uncertain significance. Last evaluated: 2022-12-01. Review status: criteria provided, single submitter. Criteria: CeGaT Center For Human Genetics Tuebingen Variant Classification Criteria Version 2. Collection method: clinical testing. Allele origin: germline. Affected: yes. Observed: 1 variant allele.
Comment: BRD4: PP2

NM_001379291.1(BRD4):c.1496C>T (p.Ser499Leu)

Gene: BRD4 (bromodomain containing 4; minus strand). Cytogenetic location: 19p13.12.
Variant type: single nucleotide variant.
Coding change: c.1496C>T on transcript NM_001379291.1 (MANE Select); coding-DNA position 1496, C replaced by T.
Protein change: p.Ser499Leu; replaces serine 499 with leucine.
Molecular consequence: missense variant.
Genome position (GRCh38, 1-based): chr19:15,257,019, G>A on the plus strand (C>T on the coding strand, the complement: BRD4 is on the minus strand). VCF-style: chr19-15257019-G-A. GRCh37 (hg19) VCF-style: chr19-15367830-G-A.
Other names: c.1496C>T, p.Ser499Leu (NM_001330384.2, NM_001379292.1, NM_014299.3 and 1 more transcripts); short protein forms S499L.
Identifiers: ClinVar variation 2649484 (VCV002649484.24), dbSNP rs867596343, ClinGen allele CA305802076.